The following is an entry in ClinVar:

NM_206933.4(USH2A):c.1853_1857del (p.Glu618fs)

Gene: USH2A (usherin; minus strand). Cytogenetic location: 1q41.
Variant type: Deletion.
Coding change: c.1853_1857del on transcript NM_206933.4 (MANE Select); coding-DNA positions 1853 to 1857, 5 bases deleted (AGCTG; older notation c.1853_1857delAGCTG).
Protein change: p.Glu618fs; shifts the reading frame from glutamic acid 618.
Molecular consequence: frameshift variant.
Genome position (GRCh38, 1-based): chr1:216,289,394-216,289,398, CAGCT deleted on the plus strand (AGCTG on the coding strand, the reverse complement: USH2A is on the minus strand); deleting any 5 consecutive bases within chr1:216,289,394-216,289,400 gives the same sequence; the c. name uses the placement nearest the transcript's 3' end. VCF-style (leftmost placement, unchanged base first): chr1-216289393-ACAGCT-A. GRCh37 (hg19) VCF-style: chr1-216462735-ACAGCT-A.
Other names: c.1853_1857del, p.Glu618fs (NM_007123.6); short protein forms E618fs.
Identifiers: ClinVar variation 5015807 (VCV005015807.1).

ClinVar aggregate classification (germline): Pathogenic (1 of 4 stars; one submission).

Conditions:
USH2A-related disorder. Also called: USH2A-related condition; USH2A-related disorders. Identifiers: MedGen CN239332.

Submission:

Myriad Genetics, Inc.
Classification: Pathogenic for USH2A-related disorder. Last evaluated: 2026-04-18. Review status: criteria provided, single submitter. Criteria: Myriad Autosomal Dominant, Autosomal Recessive and X-Linked Classification Criteria (2023). Collection method: clinical testing. Allele origin: unknown.
Comment: NM_206933.2(USH2A):c.1853_1857del5(E618Vfs*23) is expected to be pathogenic in the context of USH2A-related disorders. This variant is predicted to lead to an abnormal or absent protein product due to the creation of a premature termination codon in USH2A, a gene where loss-of-function variants are known to be pathogenic. Please note: this variant was assessed in the context of healthy population screening.